The following is an entry in ClinVar:

NM_000051.4(ATM):c.8437T>C (p.Phe2813Leu)

Genes: ATM (ATM serine/threonine kinase; plus strand), C11orf65 (chromosome 11 open reading frame 65; minus strand). Cytogenetic location: 11q22.3.
Variant type: single nucleotide variant.
Coding change: c.8437T>C on transcript NM_000051.4 (MANE Select); coding-DNA position 8437, T replaced by C.
Protein change: p.Phe2813Leu; replaces phenylalanine 2813 with leucine.
Molecular consequence: missense variant. On other transcripts: intron variant (2).
Genome position (GRCh38, 1-based): chr11:108,345,761, T>C. VCF-style: chr11-108345761-T-C. GRCh37 (hg19) VCF-style: chr11-108216488-T-C.
Other names: c.8437T>C, p.Phe2813Leu (NM_001351834.2); c.641-36690A>G (NM_001330368.2); c.695-10469A>G (NM_001351110.2); short protein forms F2813L.
Identifiers: ClinVar variation 482533 (VCV000482533.13), dbSNP rs1280239284, ClinGen allele CA382517798.

ClinVar aggregate classification (germline): Uncertain significance. Review status: criteria provided, multiple submitters, no conflicts (2 of 4 stars). 2 submissions from 2 submitters: Uncertain significance (2). Last evaluated 2024-10-10.

Conditions:
Hereditary cancer-predisposing syndrome. Also called: Neoplastic Syndromes, Hereditary; Hereditary Cancer Syndrome; Tumor predisposition; Hereditary neoplastic syndrome. Identifiers: Orphanet 140162, MedGen C0027672, MeSH D009386, MONDO:0015356.
Ataxia-telangiectasia syndrome (AT). Also called: LOUIS-BAR SYNDROME; Cerebello-oculocutaneous telangiectasia; Immunodeficiency with ataxia telangiectasia; Ataxia-telangiectasia, complementation group D; AT, COMPLEMENTATION GROUP C; Ataxia-telangiectasia, complementation group E. Identifiers: Orphanet 100, MedGen C0004135, MONDO:0008840, OMIM 208900.

Allele frequency attached by ClinVar (database versions not stated): TOPMed 0.00001; gnomAD 0.00001.
gnomAD v4.1: 1 of 1,612,044 alleles (0.000062%); highest among the groups gnomAD compares: African/African-American, 0.0013%; no homozygotes.

Submissions (2):

Labcorp Genetics (formerly Invitae), Labcorp
Classification: Uncertain significance for Ataxia-telangiectasia syndrome. Last evaluated: 2024-10-10. Review status: criteria provided, single submitter. Criteria: Invitae Variant Classification Sherloc (09022015). Collection method: clinical testing. Allele origin: germline.
Comment: This sequence change replaces phenylalanine, which is neutral and non-polar, with leucine, which is neutral and non-polar, at codon 2813 of the ATM protein (p.Phe2813Leu). This variant is not present in population databases (gnomAD no frequency). This variant has not been reported in the literature in individuals affected with ATM-related conditions. ClinVar contains an entry for this variant (Variation ID: 482533). Invitae Evidence Modeling of protein sequence and biophysical properties (such as structural, functional, and spatial information, amino acid conservation, physicochemical variation, residue mobility, and thermodynamic stability) indicates that this missense variant is not expected to disrupt ATM protein function with a negative predictive value of 95%. In summary, the available evidence is currently insufficient to determine the role of this variant in disease. Therefore, it has been classified as a Variant of Uncertain Significance.

Ambry Genetics
Classification: Uncertain significance for Hereditary cancer-predisposing syndrome. Last evaluated: 2024-04-29. Review status: criteria provided, single submitter. Criteria: Ambry Variant Classification Scheme 2023. Collection method: clinical testing. Allele origin: germline.
Comment: The p.F2813L variant (also known as c.8437T>C), located in coding exon 57 of the ATM gene, results from a T to C substitution at nucleotide position 8437. The phenylalanine at codon 2813 is replaced by leucine, an amino acid with highly similar properties. This amino acid position is well conserved in available vertebrate species. In addition, this alteration is predicted to be tolerated by in silico analysis. Since supporting evidence is limited at this time, the clinical significance of this alteration remains unclear.